The following is an entry in ClinVar:

NM_001377.3(DYNC2H1):c.2107-121C>G

Gene: DYNC2H1 (dynein cytoplasmic 2 heavy chain 1; plus strand). Cytogenetic location: 11q22.3.
Variant type: single nucleotide variant.
Coding change: c.2107-121C>G on transcript NM_001377.3 (MANE Select); 121 bases into the intron before coding-DNA position 2107, C replaced by G.
Molecular consequence: intron variant.
Genome position (GRCh38, 1-based): chr11:103,134,200, C>G. VCF-style: chr11-103134200-C-G. GRCh37 (hg19) VCF-style: chr11-103004929-C-G.
Other names: c.2107-121C>G (NM_001080463.2).
Identifiers: ClinVar variation 667691 (VCV000667691.2), dbSNP rs2450918, ClinGen allele CA15700327.

ClinVar aggregate classification (germline): Benign. Review status: criteria provided, multiple submitters, no conflicts (2 of 4 stars). 2 submissions from 2 submitters: Benign (2). Last evaluated 2018-06-14.

Allele frequency attached by ClinVar (database versions not stated): 1000 Genomes Project 30x 0.74594; TOPMed 0.75284; 1000 Genomes Project 0.75399; gnomAD 0.78633; gnomAD exomes 0.84420.
gnomAD v4.1: 654,427 of 788,876 alleles (83%); highest among the groups gnomAD compares: Admixed American, 87%; 274,761 homozygotes.

Submissions (2):

GeneDx
Classification: Benign. Last evaluated: 2018-06-14. Review status: criteria provided, single submitter. Criteria: GeneDx Variant Classification (06012015). Collection method: clinical testing. Allele origin: germline. Affected: yes.
Comment: This variant is considered likely benign or benign based on one or more of the following criteria: it is a conservative change, it occurs at a poorly conserved position in the protein, it is predicted to be benign by multiple in silico algorithms, and/or has population frequency not consistent with disease.

Breakthrough Genomics
Classification: Benign. Review status: criteria provided, single submitter. Criteria: ACMG Guidelines, 2015. Collection method: not provided. Allele origin: germline. Inheritance: Autosomal recessive inheritance. Affected: yes.